The following is an entry in ClinVar:

ClinVar aggregate classification (germline): Uncertain significance (1 of 4 stars; one submission).

Conditions:
D-2-hydroxyglutaric aciduria 1 (D2HGA1). Identifiers: Orphanet 79315, MedGen C3152055, MONDO:0024554, OMIM 600721.

Submission:

Baylor Genetics
Classification: Uncertain significance for D-2-hydroxyglutaric aciduria 1. Last evaluated: 2020-05-21. Review status: criteria provided, single submitter. Criteria: ACMG Guidelines, 2015. Collection method: clinical testing. Allele origin: unknown. Affected: yes.
Comment: This variant was determined to be of uncertain significance according to ACMG Guidelines, 2015 [PMID:25741868].

NM_152783.5(D2HGDH):c.350+10_350+12del

Gene: D2HGDH (D-2-hydroxyglutarate dehydrogenase; plus strand). Cytogenetic location: 2q37.3.
Variant type: Microsatellite.
Coding change: c.350+10_350+12del on transcript NM_152783.5 (MANE Select); bases 10 to 12 of the intron after coding-DNA position 350, 3 bases deleted (TGG; older notation c.350+10_350+12delTGG).
Molecular consequence: intron variant.
Genome position (GRCh38, 1-based): chr2:241,741,100-241,741,102, TGG deleted; deleting any 3 consecutive bases within chr2:241,741,095-241,741,102 gives the same sequence; the c. name uses the placement nearest the transcript's 3' end. VCF-style (leftmost placement, unchanged base first): chr2-241741094-AGGT-A. GRCh37 (hg19) VCF-style: chr2-242680509-AGGT-A.
Other names: c.-195+10_-195+12del (NM_001352824.2); c.-53+10_-53+12del (NM_001287249.2).
Identifiers: ClinVar variation 1027802 (VCV001027802.1), dbSNP rs1694331906, ClinGen allele CA1339770990.